The following is an entry in ClinVar:

NM_001165963.4(SCN1A):c.4834G>A (p.Val1612Ile)

Genes: SCN1A (sodium voltage-gated channel alpha subunit 1; minus strand), LOC102724058 (uncharacterized LOC102724058; plus strand). Cytogenetic location: 2q24.3.
Variant type: single nucleotide variant.
Coding change: c.4834G>A on transcript NM_001165963.4 (MANE Select); coding-DNA position 4834, G replaced by A.
Protein change: p.Val1612Ile; replaces valine 1612 with isoleucine.
Molecular consequence: missense variant. On other transcripts: non-coding transcript variant (1).
Genome position (GRCh38, 1-based): chr2:165,994,164, C>T on the plus strand (G>A on the coding strand, the complement: SCN1A is on the minus strand). VCF-style: chr2-165994164-C-T. GRCh37 (hg19) VCF-style: chr2-166850674-C-T.
Other names: c.4750G>A, p.Val1584Ile (NM_001165964.3, NM_001353957.2, NM_001353958.2); c.4834G>A, p.Val1612Ile (NM_001202435.3, NM_001353948.2); c.4801G>A, p.Val1601Ile (NM_001353949.2, NM_001353950.2, NM_001353951.2 and 2 more transcripts); c.4798G>A, p.Val1600Ile (NM_001353954.2, NM_001353955.2); c.4747G>A, p.Val1583Ile (NM_001353960.2); c.2392G>A, p.Val798Ile (NM_001353961.2); short protein forms V1601I, V1612I, V1583I, V798I, V1584I, V1600I.
Identifiers: ClinVar variation 68638 (VCV000068638.15), dbSNP rs121918808, ClinGen allele CA285183.
Genomic context (GRCh38, chr2:165,994,164, plus strand): 5'-ACTTTTATTTAACTGAATTTAAGAACTTTAAATATTTCTTACCTACAATGGAGAGAATGA[C>T]AACCACAAAATCAAAAATATTCCATCCAATGGTAAAATAATAATGGCGTAGAGAGATGAG-3'
Protein context (NP_001159435.1, residues 1602-1622): IGWNIFDFVV[Val1612Ile]ILSIVGMFLA

ClinVar aggregate classification (germline): Conflicting classifications of pathogenicity. Review status: criteria provided, conflicting classifications (1 of 4 stars). 5 submissions from 5 submitters: Uncertain significance (2); Likely benign (2). 1 of the submissions does not count toward it. Last evaluated 2026-01-15.

Conditions:
Early-infantile DEE. Also called: Early infantile epileptic encephalopathy; Early infantile epileptic encephalopathy with suppression bursts; Ohtahara syndrome. Identifiers: Orphanet 1934, MedGen C0393706, MONDO:0800491.
Inborn genetic diseases. Identifiers: MedGen C0950123, MeSH D030342.
Severe myoclonic epilepsy in infancy (DRVT). Also called: SEVERE MYOCLONIC EPILEPSY OF INFANCY; DEVELOPMENTAL AND EPILEPTIC ENCEPHALOPATHY 6A; Severe Myoclonic Epilepsy in Infancy (SMEI); Dravet syndrome; Epileptic encephalopathy, early infantile, 6 (Dravet syndrome). Identifiers: Orphanet 33069, MedGen C0751122, MONDO:0100135, OMIM 607208.

Allele frequency attached by ClinVar (database versions not stated): gnomAD 0.00003; gnomAD exomes 0.00003; TOPMed 0.00007; ExAC 0.00021.
gnomAD v4.1: 43 of 1,610,326 alleles (0.0027%); highest among the groups gnomAD compares: East Asian, 0.087%; no homozygotes.

Submissions (15):

Labcorp Genetics (formerly Invitae), Labcorp
Classification: Likely benign for Early-infantile DEE. Last evaluated: 2026-01-15. Review status: criteria provided, single submitter. Criteria: Invitae Variant Classification Sherloc (09022015). Collection method: clinical testing. Allele origin: germline.

Mendelics
Classification: Likely benign for Severe myoclonic epilepsy in infancy. Last evaluated: 2019-05-28. Review status: criteria provided, single submitter. Criteria: Mendelics Assertion Criteria 2017. Collection method: clinical testing. Allele origin: unknown.

Center for Personalized Medicine, Children's Hospital Los Angeles
Classification: Uncertain significance. Last evaluated: 2018-11-19. Review status: criteria provided, single submitter. Criteria: ACMG Guidelines, 2015. Collection method: clinical testing. Allele origin: germline. Affected: yes.

Ambry Genetics
Classification: Uncertain significance for Inborn genetic diseases. Last evaluated: 2018-09-21. Review status: criteria provided, single submitter. Criteria: Ambry Variant Classification Scheme 2023. Collection method: clinical testing. Allele origin: germline.
Comment: The p.V1612I variant (also known as c.4834G>A), located in coding exon 25 of the SCN1A gene, results from a G to A substitution at nucleotide position 4834. The valine at codon 1612 is replaced by isoleucine, an amino acid with highly similar properties. This variant has been reported in three individuals with Dravet syndrome; in two of the individuals, it was inherited from parents (Depienne C et al. J. Med. Genet., 2009 Mar;46:183-91; Herini ES et al. Pediatr Int, 2010 Apr;52:234-9; Kwong AK et al. PLoS ONE, 2012 Jul;7:e41802). Based on data from gnomAD, the A allele has an overall frequency of approximately 0.02% (46/273258) total alleles studied. The highest observed frequency was 0.24% (44/18572) of East Asian alleles. This amino acid position is highly conserved in available vertebrate species. In addition, this alteration is predicted to be deleterious by in silico analysis. Since supporting evidence is conflicting at this time, the clinical significance of this alteration remains unclear.

Channelopathy-Associated Epilepsy Research Center
No classification provided (evidence only). Review status: no classification provided. Collection method: in vitro. Allele origin: not applicable. Functional consequence: Normal peak current. Not counted in ClinVar's aggregate classification.

Channelopathy-Associated Epilepsy Research Center
No classification provided (evidence only). Review status: no classification provided. Collection method: in vitro. Allele origin: not applicable. Functional consequence: Normal voltage dependence of activation. Not counted in ClinVar's aggregate classification.

Channelopathy-Associated Epilepsy Research Center
No classification provided (evidence only). Review status: no classification provided. Collection method: in vitro. Allele origin: not applicable. Functional consequence: Normal slope of activation. Not counted in ClinVar's aggregate classification.

Channelopathy-Associated Epilepsy Research Center
No classification provided (evidence only). Review status: no classification provided. Collection method: in vitro. Allele origin: not applicable. Functional consequence: Normal voltage dependence of fast inactivation. Not counted in ClinVar's aggregate classification.

Channelopathy-Associated Epilepsy Research Center
No classification provided (evidence only). Review status: no classification provided. Collection method: in vitro. Allele origin: not applicable. Functional consequence: Normal slope of fast inactivation. Not counted in ClinVar's aggregate classification.

Channelopathy-Associated Epilepsy Research Center
No classification provided (evidence only). Review status: no classification provided. Collection method: in vitro. Allele origin: not applicable. Functional consequence: Normal rate of recovery from fast inactivation. Not counted in ClinVar's aggregate classification.

Channelopathy-Associated Epilepsy Research Center
No classification provided (evidence only). Review status: no classification provided. Collection method: in vitro. Allele origin: not applicable. Functional consequence: Normal current amplitude in use dependence. Not counted in ClinVar's aggregate classification.

Channelopathy-Associated Epilepsy Research Center
No classification provided (evidence only). Review status: no classification provided. Collection method: in vitro. Allele origin: not applicable. Functional consequence: Normal fast inactivation. Not counted in ClinVar's aggregate classification.

Channelopathy-Associated Epilepsy Research Center
No classification provided (evidence only). Review status: no classification provided. Collection method: in vitro. Allele origin: not applicable. Functional consequence: Normal ramp current. Not counted in ClinVar's aggregate classification.

Channelopathy-Associated Epilepsy Research Center
No classification provided (evidence only). Review status: no classification provided. Collection method: in vitro. Allele origin: not applicable. Functional consequence: Decrease in persistent current. Not counted in ClinVar's aggregate classification.

UniProtKB/Swiss-Prot
No classification provided. Condition: Severe myoclonic epilepsy in infancy. Review status: no classification provided. Collection method: not provided. Allele origin: not provided. Not counted in ClinVar's aggregate classification.

Literature cited by the submitters: PubMed 18930999 (cited by Ambry Genetics); PubMed 19563458 (cited by Ambry Genetics); PubMed 22848613 (cited by Ambry Genetics).